The following is an entry in ClinVar:

NM_014780.5(CUL7):c.890G>C (p.Ser297Thr)

Gene: CUL7 (cullin 7; minus strand). Cytogenetic location: 6p21.1.
Variant type: single nucleotide variant.
Coding change: c.890G>C on transcript NM_014780.5 (MANE Select); coding-DNA position 890, G replaced by C.
Protein change: p.Ser297Thr; replaces serine 297 with threonine.
Molecular consequence: missense variant.
Genome position (GRCh38, 1-based): chr6:43,051,311, C>G on the plus strand (G>C on the coding strand, the complement: CUL7 is on the minus strand). VCF-style: chr6-43051311-C-G. GRCh37 (hg19) VCF-style: chr6-43019049-C-G.
Other names: c.986G>C, p.Ser329Thr (NM_001168370.2, NM_001374872.1); c.890G>C, p.Ser297Thr (NM_001374873.1, NM_001374874.1); short protein forms S297T, S329T.
Identifiers: ClinVar variation 2970176 (VCV002970176.1), dbSNP rs1194311416, ClinGen allele CA364227915.

ClinVar aggregate classification (germline): Uncertain significance (1 of 4 stars; one submission).

Submission:

Labcorp Genetics (formerly Invitae), Labcorp
Classification: Uncertain significance. Last evaluated: 2023-03-03. Review status: criteria provided, single submitter. Criteria: Invitae Variant Classification Sherloc (09022015). Collection method: clinical testing. Allele origin: germline.
Comment: This sequence change replaces serine, which is neutral and polar, with threonine, which is neutral and polar, at codon 297 of the CUL7 protein (p.Ser297Thr). This variant is not present in population databases (gnomAD no frequency). This variant has not been reported in the literature in individuals affected with CUL7-related conditions. An algorithm developed to predict the effect of missense changes on protein structure and function (PolyPhen-2) suggests that this variant¬† is likely to be tolerated. In summary, the available evidence is currently insufficient to determine the role of this variant in disease. Therefore, it has been classified as a Variant of Uncertain Significance.